The following is an entry in ClinVar:

NM_004560.4(ROR2):c.2544G>A (p.Pro848=)

Gene: ROR2 (ROR family WNT receptor 2; minus strand). Cytogenetic location: 9q22.31.
Variant type: single nucleotide variant.
Coding change: c.2544G>A on transcript NM_004560.4 (MANE Select); coding-DNA position 2544, G replaced by A.
Protein change: p.Pro848=; no amino-acid change (proline 848 retained).
Molecular consequence: synonymous variant.
Genome position (GRCh38, 1-based): chr9:91,723,950, C>T on the plus strand (G>A on the coding strand, the complement: ROR2 is on the minus strand). VCF-style: chr9-91723950-C-T. GRCh37 (hg19) VCF-style: chr9-94486232-C-T.
Other names: c.2544G>A (NM_004560.3).
Identifiers: ClinVar variation 2895851 (VCV002895851.4), dbSNP rs754605230, ClinGen allele CA5120363.

ClinVar aggregate classification (germline): Likely benign. Review status: criteria provided, multiple submitters, no conflicts (2 of 4 stars). 2 submissions from 2 submitters: Likely benign (2). Last evaluated 2025-06-02.

Conditions:
ROR2-related disorder. Also called: ROR2-related condition; ROR2-related disorders.

Allele frequency attached by ClinVar (database versions not stated): ExAC 0.00001; gnomAD 0.00001; gnomAD exomes 0.00002.
gnomAD v4.1: 36 of 1,613,300 alleles (0.0022%); highest among the groups gnomAD compares: South Asian, 0.0044%; no homozygotes.

Submissions (2):

Labcorp Genetics (formerly Invitae), Labcorp
Classification: Likely benign. Last evaluated: 2025-06-02. Review status: criteria provided, single submitter. Criteria: Invitae Variant Classification Sherloc (09022015). Collection method: clinical testing. Allele origin: germline.

PreventionGenetics, part of Exact Sciences
Classification: Likely benign for ROR2-related condition. Last evaluated: 2024-12-11. Review status: criteria provided, single submitter. Criteria: ACMG Guidelines, 2015. Collection method: clinical testing. Allele origin: germline.
Comment: This variant is classified as likely benign based on ACMG/AMP sequence variant interpretation guidelines (Richards et al. 2015 PMID: 25741868, with internal and published modifications).